The following is an entry in ClinVar:

ClinVar aggregate classification (germline): Likely benign (1 of 4 stars; one submission).

Allele frequency attached by ClinVar (database versions not stated): TOPMed 0.00001; gnomAD 0.00003; ExAC 0.00017.
gnomAD v4.1: 104 of 1,610,446 alleles (0.0065%); highest among the groups gnomAD compares: South Asian, 0.11%; no homozygotes.

Submission:

CeGaT Center for Human Genetics Tuebingen
Classification: Likely benign. Last evaluated: 2023-10-01. Review status: criteria provided, single submitter. Criteria: CeGaT Center For Human Genetics Tuebingen Variant Classification Criteria Version 2. Collection method: clinical testing. Allele origin: germline. Affected: yes. Observed: 1 variant allele.
Comment: EP300: BP4

NM_001429.4(EP300):c.4233T>C (p.Thr1411=)

Gene: EP300 (EP300 lysine acetyltransferase; plus strand). Cytogenetic location: 22q13.2.
Variant type: single nucleotide variant.
Coding change: c.4233T>C on transcript NM_001429.4 (MANE Select); coding-DNA position 4233, T replaced by C.
Protein change: p.Thr1411=; no amino-acid change (threonine 1411 retained).
Molecular consequence: synonymous variant.
Genome position (GRCh38, 1-based): chr22:41,169,563, T>C. VCF-style: chr22-41169563-T-C. GRCh37 (hg19) VCF-style: chr22-41565567-T-C.
Other names: c.4155T>C, p.Thr1385= (NM_001362843.2).
Identifiers: ClinVar variation 2653207 (VCV002653207.24), dbSNP rs754967591, ClinGen allele CA10253376.